The following is an entry in ClinVar:

ClinVar aggregate classification (germline): Uncertain significance (1 of 4 stars; one submission).

Conditions:
Baller-Gerold syndrome (BGS). Also called: CRANIOSYNOSTOSIS WITH RADIAL DEFECTS. Identifiers: Orphanet 1225, MedGen C0265308, MONDO:0009039, OMIM 218600.

Allele frequency attached by ClinVar (database versions not stated): gnomAD exomes below 0.00001.
gnomAD v4.1: 1 of 1,546,842 alleles (0.000065%); highest among the groups gnomAD compares: Non-Finnish European, 0.000087%; no homozygotes.

Submission:

Labcorp Genetics (formerly Invitae), Labcorp
Classification: Uncertain significance for Baller-Gerold syndrome. Last evaluated: 2022-02-09. Review status: criteria provided, single submitter. Criteria: Invitae Variant Classification Sherloc (09022015). Collection method: clinical testing. Allele origin: germline.
Comment: In summary, the available evidence is currently insufficient to determine the role of this variant in disease. Therefore, it has been classified as a Variant of Uncertain Significance. Experimental studies and prediction algorithms are not available or were not evaluated, and the functional significance of this variant is currently unknown. This variant has not been reported in the literature in individuals affected with RECQL4-related conditions. This variant is not present in population databases (gnomAD no frequency). This sequence change replaces glutamine, which is neutral and polar, with proline, which is neutral and non-polar, at codon 693 of the RECQL4 protein (p.Gln693Pro).

NM_004260.4(RECQL4):c.2078A>C (p.Gln693Pro)

Gene: RECQL4 (RecQ like helicase 4; minus strand). Cytogenetic location: 8q24.3.
Variant type: single nucleotide variant.
Coding change: c.2078A>C on transcript NM_004260.4 (MANE Select); coding-DNA position 2078, A replaced by C.
Protein change: p.Gln693Pro; replaces glutamine 693 with proline.
Molecular consequence: missense variant.
Genome position (GRCh38, 1-based): chr8:144,513,693, T>G on the plus strand (A>C on the coding strand, the complement: RECQL4 is on the minus strand). VCF-style: chr8-144513693-T-G. GRCh37 (hg19) VCF-style: chr8-145739077-T-G.
Other names: c.1982A>C, p.Gln661Pro (NM_001413017.1, NM_001413020.1); c.2078A>C, p.Gln693Pro (NM_001413018.1, NM_001413019.1, NM_001413036.1); c.941A>C, p.Gln314Pro (NM_001413032.1, NM_001413041.1, NM_001413027.1 and 1 more transcripts); c.1946A>C, p.Gln649Pro (NM_001413033.1); c.1007A>C, p.Gln336Pro (NM_001413034.1, NM_001413035.1, NM_001413038.1 and 6 more transcripts); c.875A>C, p.Gln292Pro (NM_001413037.1); c.2048A>C, p.Gln683Pro (NM_001413039.1); c.977A>C, p.Gln326Pro (NM_001413042.1); and 4 more; short protein forms Q649P, Q661P, Q683P, Q204P, Q292P, Q326P, Q336P, Q576P.
Identifiers: ClinVar variation 1924284 (VCV001924284.5), dbSNP rs1827686004, ClinGen allele CA372680044.